The following is an entry in ClinVar:

NM_000293.3(PHKB):c.2034-18T>A

Gene: PHKB (phosphorylase kinase regulatory subunit beta; plus strand). Cytogenetic location: 16q12.1.
Variant type: single nucleotide variant.
Coding change: c.2034-18T>A on transcript NM_000293.3 (MANE Select); 18 bases into the intron before coding-DNA position 2034, T replaced by A.
Molecular consequence: intron variant.
Genome position (GRCh38, 1-based): chr16:47,660,639, T>A. VCF-style: chr16-47660639-T-A. GRCh37 (hg19) VCF-style: chr16-47694550-T-A.
Other names: c.2034-18T>A (NM_001363837.1); c.2013-18T>A (NM_001031835.3).
Identifiers: ClinVar variation 510599 (VCV000510599.3), dbSNP rs1221263448, ClinGen allele CA658798601.

ClinVar aggregate classification (germline): Likely benign. Review status: criteria provided, multiple submitters, no conflicts (2 of 4 stars). 2 submissions from 2 submitters: Likely benign (2). Last evaluated 2025-08-18.

Conditions:
Glycogen storage disease IXb (GSD9B). Also called: GLYCOGENOSIS OF LIVER AND MUSCLE, AUTOSOMAL RECESSIVE; GSD IXb; PHOSPHORYLASE KINASE DEFICIENCY OF LIVER AND MUSCLE, AUTOSOMAL RECESSIVE. Identifiers: Orphanet 79240, MedGen C0543514, MONDO:0009868, OMIM 261750.

Allele frequency attached by ClinVar (database versions not stated): TOPMed 0.00001.
gnomAD v4.1: 1 of 1,613,570 alleles (0.000062%); highest among the groups gnomAD compares: Non-Finnish European, 0.000085%; no homozygotes.

Submissions (2):

Labcorp Genetics (formerly Invitae), Labcorp
Classification: Likely benign for Glycogen storage disease IXb. Last evaluated: 2025-08-18. Review status: criteria provided, single submitter. Criteria: Invitae Variant Classification Sherloc (09022015). Collection method: clinical testing. Allele origin: germline.

GeneDx
Classification: Likely benign. Last evaluated: 2017-07-10. Review status: criteria provided, single submitter. Criteria: GeneDx Variant Classification (06012015). Collection method: clinical testing. Allele origin: germline. Affected: yes.
Comment: This variant is considered likely benign or benign based on one or more of the following criteria: it is a conservative change, it occurs at a poorly conserved position in the protein, it is predicted to be benign by multiple in silico algorithms, and/or has population frequency not consistent with disease.